The following is an entry in ClinVar:

ClinVar aggregate classification (germline): Uncertain significance. Review status: criteria provided, multiple submitters, no conflicts (2 of 4 stars). 2 submissions from 2 submitters: Uncertain significance (2). Last evaluated 2025-03-17.

Conditions:
Inborn genetic diseases. Identifiers: MedGen C0950123, MeSH D030342.

Allele frequency attached by ClinVar (database versions not stated): gnomAD exomes below 0.00001.
gnomAD v4.1: 6 of 1,613,612 alleles (0.00037%); highest among the groups gnomAD compares: Non-Finnish European, 0.00042%; no homozygotes.

Submissions (2):

Labcorp Genetics (formerly Invitae), Labcorp
Classification: Uncertain significance. Last evaluated: 2025-03-17. Review status: criteria provided, single submitter. Criteria: Invitae Variant Classification Sherloc (09022015). Collection method: clinical testing. Allele origin: germline.
Comment: This sequence change replaces serine, which is neutral and polar, with arginine, which is basic and polar, at codon 333 of the ARHGEF18 protein (p.Ser333Arg). This variant is present in population databases (no rsID available, gnomAD 0.0009%). This variant has not been reported in the literature in individuals affected with ARHGEF18-related conditions. ClinVar contains an entry for this variant (Variation ID: 939437). An algorithm developed to predict the effect of missense changes on protein structure and function (PolyPhen-2) suggests that this variant is likely to be disruptive. In summary, the available evidence is currently insufficient to determine the role of this variant in disease. Therefore, it has been classified as a Variant of Uncertain Significance.

Ambry Genetics
Classification: Uncertain significance for Inborn genetic diseases. Last evaluated: 2024-10-26. Review status: criteria provided, single submitter. Criteria: Ambry Variant Classification Scheme 2023. Collection method: clinical testing. Allele origin: germline.

NM_001367823.1(ARHGEF18):c.1561A>C (p.Ser521Arg)

Gene: ARHGEF18 (Rho/Rac guanine nucleotide exchange factor 18; plus strand). Cytogenetic location: 19p13.2.
Variant type: single nucleotide variant.
Coding change: c.1561A>C on transcript NM_001367823.1 (MANE Select); coding-DNA position 1561, A replaced by C.
Protein change: p.Ser521Arg; replaces serine 521 with arginine.
Molecular consequence: missense variant.
Genome position (GRCh38, 1-based): chr19:7,444,404, A>C. VCF-style: chr19-7444404-A-C. GRCh37 (hg19) VCF-style: chr19-7509290-A-C.
Other names: c.835A>C, p.Ser279Arg (NM_001130955.2); c.523A>C, p.Ser175Arg (NM_001367824.1, NM_015318.4); short protein forms S279R, S175R, S521R.
Identifiers: ClinVar variation 939437 (VCV000939437.10), dbSNP rs1441499149, ClinGen allele CA403104205.